The following is an entry in ClinVar:

ClinVar aggregate classification (germline): Uncertain significance (1 of 4 stars; one submission).

Submission:

Ambry Genetics
Classification: Uncertain significance. Last evaluated: 2026-08-29. Review status: criteria provided, single submitter. Criteria: Ambry Variant Classification Scheme 2023. Collection method: clinical testing. Allele origin: germline.
Comment: The p.P526S variant (also known as c.1576C>T), located in coding exon 2 of the CDK12 gene, results from a C to T substitution at nucleotide position 1576. The proline at codon 526 is replaced by serine, an amino acid with similar properties. This amino acid position is conserved. In addition, this alteration is predicted to be tolerated by in silico analysis. Based on the available evidence, the clinical significance of this variant remains unclear.

NM_016507.4(CDK12):c.1576C>T (p.Pro526Ser)

Gene: CDK12 (cyclin dependent kinase 12; plus strand). Cytogenetic location: 17q12.
Variant type: single nucleotide variant.
Coding change: c.1576C>T on transcript NM_016507.4 (MANE Select); coding-DNA position 1576, C replaced by T.
Protein change: p.Pro526Ser; replaces proline 526 with serine.
Molecular consequence: missense variant.
Genome position (GRCh38, 1-based): chr17:39,471,408, C>T. VCF-style: chr17-39471408-C-T. GRCh37 (hg19) VCF-style: chr17-37627661-C-T.
Other names: c.1576C>T, p.Pro526Ser (NM_015083.4); short protein forms P526S.
Identifiers: ClinVar variation 5034176 (VCV005034176.1).